The following is an entry in ClinVar:

ClinVar aggregate classification (germline): Conflicting classifications of pathogenicity. Review status: criteria provided, conflicting classifications (1 of 4 stars). 5 submissions from 4 submitters: Uncertain significance (4); Benign (1). Last evaluated 2025-10-15.

Conditions:
Adams-Oliver syndrome 5 (AOS5). Identifiers: Orphanet 974, MedGen C4014970, MONDO:0014459, OMIM 616028.
Aortic valve disease 1 (AOVD1). Identifiers: MedGen C3887892, MONDO:0024523, OMIM 109730.
Familial thoracic aortic aneurysm and aortic dissection (TAAD). Also called: Thoracic aortic aneurysms and dissections. Identifiers: Orphanet 91387, MedGen C4707243, MONDO:0019625.

Allele frequency attached by ClinVar (database versions not stated): ExAC 0.00001; TOPMed 0.00001; gnomAD exomes 0.00002; gnomAD 0.00005 and 0.00006.
gnomAD v4.1: 73 of 1,609,810 alleles (0.0045%); highest among the groups gnomAD compares: Middle Eastern, 0.016%; no homozygotes.

Submissions (5):

Labcorp Genetics (formerly Invitae), Labcorp
Classification: Benign for Adams-Oliver syndrome 5. Last evaluated: 2025-10-15. Review status: criteria provided, single submitter. Criteria: Invitae Variant Classification Sherloc (09022015). Collection method: clinical testing. Allele origin: germline.

Ambry Genetics
Classification: Uncertain significance for Familial thoracic aortic aneurysm and aortic dissection. Last evaluated: 2025-09-10. Review status: criteria provided, single submitter. Criteria: Ambry Variant Classification Scheme 2023. Collection method: clinical testing. Allele origin: germline.
Comment: The p.R504C variant (also known as c.1510C>T), located in coding exon 9 of the NOTCH1 gene, results from a C to T substitution at nucleotide position 1510. The arginine at codon 504 is replaced by cysteine, an amino acid with highly dissimilar properties. This variant was reported in individual(s) with features consistent with developmental disorders (Kaplanis J et al. Nature, 2020 Oct;586:757-762). This amino acid position is poorly conserved in available vertebrate species. In addition, the in silico prediction for this alteration is inconclusive. Based on the available evidence, the clinical significance of this variant remains unclear.

GeneDx
Classification: Uncertain significance. Last evaluated: 2024-11-19. Review status: criteria provided, single submitter. Criteria: GeneDx Variant Classification Process June 2021. Collection method: clinical testing. Allele origin: germline. Affected: yes.
Comment: Identified in patients with autism or developmental disorders in published literature (PMID: 33057194, 35982159); In silico analysis indicates that this missense variant does not alter protein structure/function; This variant is associated with the following publications: (PMID: 33057194, 35982159)

Genome-Nilou Lab
Classification: Uncertain significance for Adams-Oliver syndrome 5. Last evaluated: 2022-03-15. Review status: criteria provided, single submitter. Criteria: ACMG Guidelines, 2015. Collection method: clinical testing. Allele origin: germline. Affected: no.

Genome-Nilou Lab
Classification: Uncertain significance for Aortic valve disease 1. Last evaluated: 2022-03-15. Review status: criteria provided, single submitter. Criteria: ACMG Guidelines, 2015. Collection method: clinical testing. Allele origin: germline. Affected: no.

Literature cited by the submitters: PubMed 33057194 (cited by Ambry Genetics).

NM_017617.5(NOTCH1):c.1510C>T (p.Arg504Cys)

Gene: NOTCH1 (notch receptor 1; minus strand). Cytogenetic location: 9q34.3.
Variant type: single nucleotide variant.
Coding change: c.1510C>T on transcript NM_017617.5 (MANE Select); coding-DNA position 1510, C replaced by T.
Protein change: p.Arg504Cys; replaces arginine 504 with cysteine.
Molecular consequence: missense variant.
Genome position (GRCh38, 1-based): chr9:136,517,317, G>A on the plus strand (C>T on the coding strand, the complement: NOTCH1 is on the minus strand). VCF-style: chr9-136517317-G-A. GRCh37 (hg19) VCF-style: chr9-139411769-G-A.
Other names: c.1510C>T, p.Arg504Cys (LRG_1122t1); short protein forms R504C.
Identifiers: ClinVar variation 477877 (VCV000477877.18), dbSNP rs752071569, ClinGen allele CA5341764.